The following is an entry in ClinVar:

NM_001042492.3(NF1):c.2038del (p.Cys680fs)

Gene: NF1 (neurofibromin 1; plus strand). Cytogenetic location: 17q11.2.
Variant type: Deletion.
Coding change: c.2038del on transcript NM_001042492.3 (MANE Select); coding-DNA position 2038, one base deleted (T; older notation c.2038delT).
Protein change: p.Cys680fs; shifts the reading frame from cysteine 680.
Molecular consequence: frameshift variant.
Genome position (GRCh38, 1-based): chr17:31,226,471, T deleted; the last of 3 consecutive T bases (chr17:31,226,469-31,226,471); deleting any one gives the same sequence. VCF-style (leftmost placement, unchanged base first): chr17-31226468-AT-A. GRCh37 (hg19) VCF-style: chr17-29553486-AT-A.
Other names: c.2038delT, p.Cys680Alafs (NM_000267.4); short protein forms C680fs.
Identifiers: ClinVar variation 3722616 (VCV003722616.2).

ClinVar aggregate classification (germline): Pathogenic (1 of 4 stars; one submission).

Conditions:
Neurofibromatosis, type 1 (NF1). Also called: VON RECKLINGHAUSEN DISEASE; NEUROFIBROMATOSIS, TYPE I, SOMATIC; Peripheral type neurofibromatosis; Neurofibromatosis, type I. Identifiers: Orphanet 636, MedGen C0027831, MONDO:0018975, OMIM 162200. Disease mechanism: loss of function.

Submission:

Labcorp Genetics (formerly Invitae), Labcorp
Classification: Pathogenic for Neurofibromatosis, type 1. Last evaluated: 2024-05-01. Review status: criteria provided, single submitter. Criteria: Invitae Variant Classification Sherloc (09022015). Collection method: clinical testing. Allele origin: germline.
Comment: This sequence change creates a premature translational stop signal (p.Cys680Alafs*8) in the NF1 gene. It is expected to result in an absent or disrupted protein product. Loss-of-function variants in NF1 are known to be pathogenic (PMID: 10712197, 23913538). This variant is not present in population databases (gnomAD no frequency). This premature translational stop signal has been observed in individual(s) with clinical features of neurofibromatosis type 1 (PMID: 25074460). For these reasons, this variant has been classified as Pathogenic.

Literature cited by the submitters: PubMed 10712197; PubMed 23913538; PubMed 25074460.